The following is an entry in ClinVar:

NM_001127511.3(APC):c.109G>A (p.Glu37Lys)

Gene: APC (APC regulator of Wnt signaling pathway; plus strand). Cytogenetic location: 5q22.2.
Variant type: single nucleotide variant.
Coding change: c.109G>A on transcript NM_001127511.3; coding-DNA position 109, G replaced by A.
Protein change: p.Glu37Lys; replaces glutamic acid 37 with lysine.
Molecular consequence: missense variant. On other transcripts: 5 prime UTR variant (8), non-coding transcript variant (1), intron variant (5).
Genome position (GRCh38, 1-based): chr5:112,707,826, G>A. VCF-style: chr5-112707826-G-A. GRCh37 (hg19) VCF-style: chr5-112043523-G-A.
Other names: c.-75G>A (NM_001354895.2, NM_001407447.1, NM_001407452.1 and 3 more transcripts); c.109G>A, p.Glu37Lys (NM_001354897.2, NM_001354902.2, NM_001407446.1); c.-1110G>A (NM_001407470.1, NM_001407472.1); c.-19+177G>A (NM_001407448.1, NM_001407450.1, NM_001407457.1 and 1 more transcripts); c.-43+177G>A (NM_001407453.1); short protein forms E37K.
Identifiers: ClinVar variation 1057842 (VCV001057842.8), dbSNP rs998471051, ClinGen allele CA124925176.
Genomic context (GRCh38, chr5:112,707,826, plus strand): 5'-GTACCACCCTCAGTTCTCGGGTCCTGGAGCACCGGCGGCAGCAGGAGCTGCGTCCGGCAG[G>A]AGACGAAGAGCCCGGGCGGCGCTCGTACTTCTGGCCACTGGGCGAGCGTCTGGCAGGTGA-3'

ClinVar aggregate classification (germline): Uncertain significance (1 of 4 stars; one submission).

Conditions:
Familial adenomatous polyposis 1 (FAP1). Also called: FAMILIAL ADENOMATOUS POLYPOSIS 1, ATTENUATED; POLYPOSIS, ADENOMATOUS INTESTINAL. Identifiers: MedGen C2713442, MONDO:0021056, OMIM 175100. Disease mechanism: loss of function.

Allele frequency attached by ClinVar (database versions not stated): gnomAD exomes 0.00001; gnomAD 0.00003; TOPMed 0.00004.
gnomAD v4.1: 18 of 1,370,492 alleles (0.0013%); highest among the groups gnomAD compares: Non-Finnish European, 0.0015%; no homozygotes.

Submission:

Labcorp Genetics (formerly Invitae), Labcorp
Classification: Uncertain significance for Familial adenomatous polyposis 1. Last evaluated: 2026-01-28. Review status: criteria provided, single submitter. Criteria: Invitae Variant Classification Sherloc (09022015). Collection method: clinical testing. Allele origin: germline.
Comment: This variant occurs in a non-coding region of the APC gene. It does not change the encoded amino acid sequence of the APC protein. This variant is present in population databases (no rsID available, gnomAD 0.007%). This variant has not been reported in the literature in individuals affected with APC-related conditions. Experimental studies and prediction algorithms are not available or were not evaluated, and the functional significance of this variant is currently unknown. In summary, the available evidence is currently insufficient to determine the role of this variant in disease. Therefore, it has been classified as a Variant of Uncertain Significance.